The following is an entry in ClinVar:

ClinVar aggregate classification (germline): Uncertain significance. Review status: criteria provided, multiple submitters, no conflicts (2 of 4 stars). 3 submissions from 3 submitters: Uncertain significance (3). Last evaluated 2025-03-15.

Conditions:
Hereditary cancer-predisposing syndrome. Also called: Neoplastic Syndromes, Hereditary; Tumor predisposition; Hereditary Cancer Syndrome; Hereditary neoplastic syndrome. Identifiers: Orphanet 140162, MedGen C0027672, MeSH D009386, MONDO:0015356.
Endometrial carcinoma. Also called: Endometrial carcinoma, somatic. Identifiers: MedGen C0476089, MONDO:0002447, OMIM 608089, HP:0012114.

Submissions (3):

Labcorp Genetics (formerly Invitae), Labcorp
Classification: Uncertain significance. Last evaluated: 2025-03-15. Review status: criteria provided, single submitter. Criteria: Invitae Variant Classification Sherloc (09022015). Collection method: clinical testing. Allele origin: germline.
Comment: This sequence change replaces asparagine, which is neutral and polar, with tyrosine, which is neutral and polar, at codon 660 of the MSH3 protein (p.Asn660Tyr). This variant is not present in population databases (gnomAD no frequency). This variant has not been reported in the literature in individuals affected with MSH3-related conditions. ClinVar contains an entry for this variant (Variation ID: 1783744). An algorithm developed to predict the effect of missense changes on protein structure and function (PolyPhen-2) suggests that this variant is likely to be tolerated. Algorithms developed to predict the effect of sequence changes on RNA splicing suggest that this variant may create or strengthen a splice site. In summary, the available evidence is currently insufficient to determine the role of this variant in disease. Therefore, it has been classified as a Variant of Uncertain Significance.

Baylor Genetics
Classification: Uncertain significance for Endometrial carcinoma. Last evaluated: 2023-10-10. Review status: criteria provided, single submitter. Criteria: ACMG Guidelines, 2015. Collection method: clinical testing. Allele origin: unknown.

Ambry Genetics
Classification: Uncertain significance for Hereditary cancer-predisposing syndrome. Last evaluated: 2021-07-18. Review status: criteria provided, single submitter. Criteria: Ambry Variant Classification Scheme 2023. Collection method: clinical testing. Allele origin: germline.
Comment: The p.N660Y variant (also known as c.1978A>T), located in coding exon 14 of the MSH3 gene, results from an A to T substitution at nucleotide position 1978. The asparagine at codon 660 is replaced by tyrosine, an amino acid with dissimilar properties. This amino acid position is conserved. In addition, this alteration is predicted to be tolerated by in silico analysis. Since supporting evidence is limited at this time, the clinical significance of this alteration remains unclear.

NM_002439.5(MSH3):c.1978A>T (p.Asn660Tyr)

Gene: MSH3 (mutS homolog 3; plus strand). Cytogenetic location: 5q14.1.
Variant type: single nucleotide variant.
Coding change: c.1978A>T on transcript NM_002439.5 (MANE Select); coding-DNA position 1978, A replaced by T.
Protein change: p.Asn660Tyr; replaces asparagine 660 with tyrosine.
Molecular consequence: missense variant.
Genome position (GRCh38, 1-based): chr5:80,768,014, A>T. VCF-style: chr5-80768014-A-T. GRCh37 (hg19) VCF-style: chr5-80063833-A-T.
Other names: short protein forms N660Y.
Identifiers: ClinVar variation 1783744 (VCV001783744.6), dbSNP rs2546773619, ClinGen allele CA360277614.
Genomic context (GRCh38, chr5:80,768,014, plus strand): 5'-TTGATTGTCAAAACTTTATATCACCTAAAGTCAGAATTTCAAGCAATAATACCTGCTGTT[A>T]ATTCCCACATTCAGTCAGACTTGCTCCGGACCGTTATTTTAGAAATTCCTGAACTCCTCA-3'
Protein context (NP_002430.3, residues 650-670): SEFQAIIPAV[Asn660Tyr]SHIQSDLLRT